The following is an entry in ClinVar:

NM_002880.4(RAF1):c.1079T>C (p.Phe360Ser)

Gene: RAF1 (Raf-1 proto-oncogene, serine/threonine kinase; minus strand). Cytogenetic location: 3p25.2.
Variant type: single nucleotide variant.
Coding change: c.1079T>C on transcript NM_002880.4 (MANE Select); coding-DNA position 1079, T replaced by C.
Protein change: p.Phe360Ser; replaces phenylalanine 360 with serine.
Molecular consequence: missense variant. On other transcripts: non-coding transcript variant (3).
Genome position (GRCh38, 1-based): chr3:12,599,720, A>G on the plus strand (T>C on the coding strand, the complement: RAF1 is on the minus strand). VCF-style: chr3-12599720-A-G. GRCh37 (hg19) VCF-style: chr3-12641219-A-G.
Other names: c.1139T>C, p.Phe380Ser (NM_001354689.3); c.1079T>C, p.Phe360Ser (NM_001354690.3); c.836T>C, p.Phe279Ser (NM_001354691.3, NM_001354692.3); c.980T>C, p.Phe327Ser (NM_001354693.3); c.896T>C, p.Phe299Ser (NM_001354694.3); c.737T>C, p.Phe246Ser (NM_001354695.3); short protein forms F246S, F279S, F299S, F327S, F360S, F380S.
Identifiers: ClinVar variation 981541 (VCV000981541.5), dbSNP rs2125377567, ClinGen allele CA351507413.
Genomic context (GRCh38, chr3:12,599,720, plus strand): 5'-GCAGTTAGTAAAGGGAGGGCCCCAAGCTTACCGTGCCATTTACCCTTATAAACAGTTCCA[A>G]AAGAGCCTGACCCAATCCGAGTGGACAGCATCACTTCACTGGCTTCTATTTCCCAATAAT-3'
Protein context (NP_002871.1, residues 350-370): MLSTRIGSGS[Phe360Ser]GTVYKGKWHG

ClinVar aggregate classification (germline): Uncertain significance. Review status: criteria provided, multiple submitters, no conflicts (2 of 4 stars). 3 submissions from 3 submitters: Uncertain significance (2). 1 of the submissions does not count toward it. Last evaluated 2024-10-24.

Conditions:
RASopathy. Also called: Noonan spectrum disorder; rasopathies. Identifiers: Orphanet 536391, MedGen C5555857, MONDO:0021060.
Noonan syndrome (NS). Also called: Noonan's syndrome. Identifiers: Orphanet 648, MedGen C0028326, MeSH D009634, MONDO:0018997. Disease mechanism: gain of function.

Submissions (3):

Women's Health and Genetics/Laboratory Corporation of America, LabCorp
Classification: Uncertain significance. Last evaluated: 2024-10-24. Review status: criteria provided, single submitter. Criteria: LabCorp Variant Classification Summary - May 2015. Collection method: clinical testing. Allele origin: germline.
Comment: Variant summary: RAF1 c.1079T>C (p.Phe360Ser) results in a non-conservative amino acid change located in the Protein kinase domain (IPR000719) of the encoded protein sequence. Five of five in-silico tools predict a damaging effect of the variant on protein function. The variant was absent in 251468 control chromosomes. The available data on variant occurrences in the general population are insufficient to allow any conclusion about variant significance. To our knowledge, no occurrence of c.1079T>C in individuals affected with Noonan Syndrome And Related Conditions and no experimental evidence demonstrating its impact on protein function have been reported. ClinVar contains an entry for this variant (Variation ID: 981541). Based on the evidence outlined above, the variant was classified as uncertain significance.

Labcorp Genetics (formerly Invitae), Labcorp
Classification: Uncertain significance for RASopathy. Last evaluated: 2023-08-31. Review status: criteria provided, single submitter. Criteria: Invitae Variant Classification Sherloc (09022015). Collection method: clinical testing. Allele origin: germline.
Comment: In summary, the available evidence is currently insufficient to determine the role of this variant in disease. Therefore, it has been classified as a Variant of Uncertain Significance. Algorithms developed to predict the effect of sequence changes on RNA splicing suggest that this variant may create or strengthen a splice site. Advanced modeling of protein sequence and biophysical properties (such as structural, functional, and spatial information, amino acid conservation, physicochemical variation, residue mobility, and thermodynamic stability) performed at Invitae indicates that this missense variant is expected to disrupt RAF1 protein function. ClinVar contains an entry for this variant (Variation ID: 981541). This variant has not been reported in the literature in individuals affected with RAF1-related conditions. This variant is not present in population databases (gnomAD no frequency). This sequence change replaces phenylalanine, which is neutral and non-polar, with serine, which is neutral and polar, at codon 360 of the RAF1 protein (p.Phe360Ser).

Service de Génétique Moléculaire, Hôpital Robert Debré
Classification: Uncertain significance for Noonan syndrome. Review status: no assertion criteria provided. Collection method: clinical testing. Allele origin: unknown. Affected: yes. Not counted in ClinVar's aggregate classification.